The following is an entry in ClinVar:

NM_000552.5(VWF):c.4219A>G (p.Lys1407Glu)

Gene: VWF (von Willebrand factor; minus strand). Cytogenetic location: 12p13.31.
Variant type: single nucleotide variant.
Coding change: c.4219A>G on transcript NM_000552.5 (MANE Select); coding-DNA position 4219, A replaced by G.
Protein change: p.Lys1407Glu; replaces lysine 1407 with glutamic acid.
Molecular consequence: missense variant.
Genome position (GRCh38, 1-based): chr12:6,019,199, T>C on the plus strand (A>G on the coding strand, the complement: VWF is on the minus strand). VCF-style: chr12-6019199-T-C. GRCh37 (hg19) VCF-style: chr12-6128365-T-C.
Other names: short protein forms K1407E.
Identifiers: ClinVar variation 4982362 (VCV004982362.1).

ClinVar aggregate classification (germline): Uncertain significance (1 of 4 stars; one submission).

Conditions:
VWF-related disorder. Also called: VWF-related disorders; VWF-related condition.

Submission:

PreventionGenetics, part of Exact Sciences
Classification: Uncertain significance for VWF-related condition. Last evaluated: 2026-06-23. Review status: criteria provided, single submitter. Criteria: ACMG Guidelines, 2015. Collection method: clinical testing. Allele origin: germline.
Comment: The VWF c.4219A>G variant is predicted to result in the amino acid substitution p.Lys1407Glu. To our knowledge, this variant has not been reported in the literature or in a large population database (gnomAD), indicating this variant is rare. At this time, the clinical significance of this variant is uncertain due to the absence of conclusive functional and genetic evidence.